The following is an entry in ClinVar:

NM_022124.6(CDH23):c.2745del (p.Ile915fs)

Gene: CDH23 (cadherin related 23; plus strand). Cytogenetic location: 10q22.1.
Variant type: Deletion.
Coding change: c.2745del on transcript NM_022124.6 (MANE Select); coding-DNA position 2745, one base deleted (C; older notation c.2745delC).
Protein change: p.Ile915fs; shifts the reading frame from isoleucine 915.
Molecular consequence: frameshift variant.
Genome position (GRCh38, 1-based): chr10:71,704,922, C deleted. VCF-style (leftmost placement, unchanged base first): chr10-71704921-TC-T. GRCh37 (hg19) VCF-style: chr10-73464678-TC-T.
Other names: c.2745del, p.Ile915fs (NM_001171930.2, NM_001171931.2); short protein forms I915fs.
Identifiers: ClinVar variation 4816074 (VCV004816074.1).
Genomic context (GRCh38, chr10:71,704,921, plus strand): 5'-CCATCCCAGTGTCCCCTCCCCACCCTCATGCTGCCCCTCCTTGCCCTCAGGTGGTGGCCA[TC>T]GACCTCGATGAGGGCCTGAACGGCCTGGTGTCCTACCGCATGCCGGTGGGCATGCCCCGC-3'

ClinVar aggregate classification (germline): Likely pathogenic (1 of 4 stars; one submission).

Conditions:
Usher syndrome type 1 (USH1). Also called: RETINITIS PIGMENTOSA AND CONGENITAL DEAFNESS. Identifiers: Orphanet 231169, Orphanet 886, MedGen C1568247, MONDO:0010168, OMIM 276900.

Submission:

Natera, Inc.
Classification: Likely pathogenic for Usher syndrome type 1. Last evaluated: 2026-01-19. Review status: criteria provided, single submitter. Criteria: Natera Variant Classification Schema (03/2026). Collection method: clinical testing. Allele origin: germline.
Comment: The c.2745del variant in CDH23 is a frameshift variant predicted to shift the reading frame beginning at codon 915 and leads to a stop codon 7 codons downstream. This variant is expected to result in nonsense mediated decay, truncation, or a dysfunctional protein product. This variant is rare in the general population with a frequency below the threshold expected for the associated phenotype(s). Given the available evidence, this variant is classified as Likely Pathogenic.